The following is an entry in ClinVar:

ClinVar aggregate classification (germline): Uncertain significance (1 of 4 stars; one submission).

Submission:

Labcorp Genetics (formerly Invitae), Labcorp
Classification: Uncertain significance. Last evaluated: 2023-08-07. Review status: criteria provided, single submitter. Criteria: Invitae Variant Classification Sherloc (09022015). Collection method: clinical testing. Allele origin: germline.
Comment: In summary, the available evidence is currently insufficient to determine the role of this variant in disease. Therefore, it has been classified as a Variant of Uncertain Significance. This sequence change replaces serine, which is neutral and polar, with proline, which is neutral and non-polar, at codon 685 of the CDH2 protein (p.Ser685Pro). An algorithm developed to predict the effect of missense changes on protein structure and function (PolyPhen-2) suggests that this variant is likely to be disruptive. This variant has not been reported in the literature in individuals affected with CDH2-related conditions. This variant is not present in population databases (gnomAD no frequency).

NM_001792.5(CDH2):c.2053T>C (p.Ser685Pro)

Gene: CDH2 (cadherin 2; minus strand). Cytogenetic location: 18q12.1.
Variant type: single nucleotide variant.
Coding change: c.2053T>C on transcript NM_001792.5 (MANE Select); coding-DNA position 2053, T replaced by C.
Protein change: p.Ser685Pro; replaces serine 685 with proline.
Molecular consequence: missense variant.
Genome position (GRCh38, 1-based): chr18:27,985,156, A>G on the plus strand (T>C on the coding strand, the complement: CDH2 is on the minus strand). VCF-style: chr18-27985156-A-G. GRCh37 (hg19) VCF-style: chr18-25565120-A-G.
Other names: c.1960T>C, p.Ser654Pro (NM_001308176.2); short protein forms S654P, S685P.
Identifiers: ClinVar variation 2750850 (VCV002750850.3), dbSNP rs2510792453, ClinGen allele CA402106967.